The following is an entry in ClinVar:

ClinVar aggregate classification (germline): Conflicting classifications of pathogenicity. Review status: criteria provided, conflicting classifications (1 of 4 stars). 3 submissions from 3 submitters: Uncertain significance (2); Likely benign (1). Last evaluated 2025-09-24.

Conditions:
Hereditary cancer-predisposing syndrome. Also called: Neoplastic Syndromes, Hereditary; Tumor predisposition; Hereditary Cancer Syndrome; Hereditary neoplastic syndrome. Identifiers: Orphanet 140162, MedGen C0027672, MeSH D009386, MONDO:0015356.
Hereditary breast ovarian cancer syndrome. Also called: Hereditary breast and ovarian cancer syndrome; Hereditary breast and/or ovarian cancer syndrome; Hereditary breast and ovarian cancer syndrome (HBOC); Breast and ovarian cancer; BRCA1- and BRCA2-Associated Hereditary Breast and Ovarian Cancer; Hereditary breast and ovarian cancer. Identifiers: Orphanet 145, MedGen C0677776, MeSH D061325, MONDO:0003582. Disease mechanism: loss of function.

Submissions (3):

Ambry Genetics
Classification: Uncertain significance for Hereditary cancer-predisposing syndrome. Last evaluated: 2025-09-24. Review status: criteria provided, single submitter. Criteria: Ambry Variant Classification Scheme 2023. Collection method: clinical testing. Allele origin: germline.
Comment: The p.S1115Y variant (also known as c.3344C>A), located in coding exon 10 of the BRCA2 gene, results from a C to A substitution at nucleotide position 3344. The serine at codon 1115 is replaced by tyrosine, an amino acid with dissimilar properties. This amino acid position is conserved. In addition, the in silico prediction for this alteration is inconclusive. Since supporting evidence is limited at this time, the clinical significance of this alteration remains unclear.

Labcorp Genetics (formerly Invitae), Labcorp
Classification: Uncertain significance for Hereditary breast ovarian cancer syndrome. Last evaluated: 2023-12-08. Review status: criteria provided, single submitter. Criteria: Invitae Variant Classification Sherloc (09022015). Collection method: clinical testing. Allele origin: germline.
Comment: This sequence change replaces serine, which is neutral and polar, with tyrosine, which is neutral and polar, at codon 1115 of the BRCA2 protein (p.Ser1115Tyr). This variant is not present in population databases (gnomAD no frequency). This variant has not been reported in the literature in individuals affected with BRCA2-related conditions. ClinVar contains an entry for this variant (Variation ID: 1002496). Advanced modeling of protein sequence and biophysical properties (such as structural, functional, and spatial information, amino acid conservation, physicochemical variation, residue mobility, and thermodynamic stability) performed at Invitae indicates that this missense variant is not expected to disrupt BRCA2 protein function with a negative predictive value of 95%. In summary, the available evidence is currently insufficient to determine the role of this variant in disease. Therefore, it has been classified as a Variant of Uncertain Significance.

University of Washington Department of Laboratory Medicine, University of Washington
Classification: Likely benign for Hereditary cancer-predisposing syndrome. Last evaluated: 2023-03-23. Review status: criteria provided, single submitter. Criteria: Dines et al. (Genet Med. 2020). Collection method: curation. Allele origin: germline.
Comment: Missense variant in a coldspot region where missense variants are very unlikely to be pathogenic (PMID:31911673).

BRCA2 exon 11 coldspot. Reclassification based on statistical prior probability.

NM_000059.4(BRCA2):c.3344C>A (p.Ser1115Tyr)

Gene: BRCA2 (BRCA2 DNA repair associated; plus strand). Cytogenetic location: 13q13.1.
Variant type: single nucleotide variant.
Coding change: c.3344C>A on transcript NM_000059.4 (MANE Select); coding-DNA position 3344, C replaced by A.
Protein change: p.Ser1115Tyr; replaces serine 1115 with tyrosine.
Molecular consequence: missense variant.
Genome position (GRCh38, 1-based): chr13:32,337,699, C>A. VCF-style: chr13-32337699-C-A. GRCh37 (hg19) VCF-style: chr13-32911836-C-A.
Other names: short protein forms S1115Y.
Identifiers: ClinVar variation 1002496 (VCV001002496.13), dbSNP rs879255448, ClinGen allele CA387776323.